The following is an entry in ClinVar:

NM_000748.3(CHRNB2):c.535G>A (p.Asp179Asn)

Gene: CHRNB2 (cholinergic receptor nicotinic beta 2 subunit; plus strand). Cytogenetic location: 1q21.3.
Variant type: single nucleotide variant.
Coding change: c.535G>A on transcript NM_000748.3 (MANE Select); coding-DNA position 535, G replaced by A.
Protein change: p.Asp179Asn; replaces aspartic acid 179 with asparagine.
Molecular consequence: missense variant.
Genome position (GRCh38, 1-based): chr1:154,571,358, G>A. VCF-style: chr1-154571358-G-A. GRCh37 (hg19) VCF-style: chr1-154543834-G-A.
Other names: short protein forms D179N.
Identifiers: ClinVar variation 1426578 (VCV001426578.8), dbSNP rs760490640, ClinGen allele CA1130741.

ClinVar aggregate classification (germline): Uncertain significance (1 of 4 stars; one submission).

Conditions:
Familial sleep-related hypermotor epilepsy. Also called: Autosomal Dominant Sleep-Related Hypermotor (Hyperkinetic) Epilepsy. Identifiers: Orphanet 98784, MedGen C3696898, MONDO:0000030.

Allele frequency attached by ClinVar (database versions not stated): ExAC 0.00001; gnomAD exomes below 0.00001.

Submission:

Labcorp Genetics (formerly Invitae), Labcorp
Classification: Uncertain significance. Last evaluated: 2025-04-09. Review status: criteria provided, single submitter. Criteria: Invitae Variant Classification Sherloc (09022015). Collection method: clinical testing. Allele origin: germline.
Comment: This sequence change replaces aspartic acid, which is acidic and polar, with asparagine, which is neutral and polar, at codon 179 of the CHRNB2 protein (p.Asp179Asn). This variant is present in population databases (rs760490640, gnomAD 0.006%). This variant has not been reported in the literature in individuals affected with CHRNB2-related conditions. ClinVar contains an entry for this variant (Variation ID: 1426578). Invitae Evidence Modeling of protein sequence and biophysical properties (such as structural, functional, and spatial information, amino acid conservation, physicochemical variation, residue mobility, and thermodynamic stability) indicates that this missense variant is not expected to disrupt CHRNB2 protein function with a negative predictive value of 80%. In summary, the available evidence is currently insufficient to determine the role of this variant in disease. Therefore, it has been classified as a Variant of Uncertain Significance.